The following is an entry in ClinVar:

ClinVar aggregate classification (germline): Uncertain significance (1 of 4 stars; one submission).

Submission:

CeGaT Center for Human Genetics Tuebingen
Classification: Uncertain significance. Last evaluated: 2022-05-01. Review status: criteria provided, single submitter. Criteria: CeGaT Center For Human Genetics Tuebingen Variant Classification Criteria Version 2. Collection method: clinical testing. Allele origin: germline. Affected: yes. Observed: 1 variant allele.
Comment: FBXO11: PM2, PP2, PP3

NM_001190274.2(FBXO11):c.1463C>A (p.Ala488Asp)

Gene: FBXO11 (F-box protein 11; minus strand). Cytogenetic location: 2p16.3.
Variant type: single nucleotide variant.
Coding change: c.1463C>A on transcript NM_001190274.2 (MANE Select); coding-DNA position 1463, C replaced by A.
Protein change: p.Ala488Asp; replaces alanine 488 with aspartic acid.
Molecular consequence: missense variant.
Genome position (GRCh38, 1-based): chr2:47,823,296, G>T on the plus strand (C>A on the coding strand, the complement: FBXO11 is on the minus strand). VCF-style: chr2-47823296-G-T. GRCh37 (hg19) VCF-style: chr2-48050435-G-T.
Other names: c.1211C>A, p.Ala404Asp (NM_001374325.1, NM_025133.4); short protein forms A404D, A488D.
Identifiers: ClinVar variation 1694956 (VCV001694956.31), dbSNP rs2104739408, ClinGen allele CA346764992.